The following is an entry in ClinVar:

NM_000094.4(COL7A1):c.2587+49T>C

Gene: COL7A1 (collagen type VII alpha 1 chain; minus strand). Cytogenetic location: 3p21.31.
Variant type: single nucleotide variant.
Coding change: c.2587+49T>C on transcript NM_000094.4 (MANE Select); 49 bases into the intron after coding-DNA position 2587, T replaced by C.
Molecular consequence: intron variant.
Genome position (GRCh38, 1-based): chr3:48,588,593, A>G on the plus strand (T>C on the coding strand, the complement: COL7A1 is on the minus strand). VCF-style: chr3-48588593-A-G. GRCh37 (hg19) VCF-style: chr3-48626026-A-G.
Identifiers: ClinVar variation 3039225 (VCV003039225.2), dbSNP rs368011944, ClinGen allele CA2380830.
Genomic context (GRCh38, chr3:48,588,593, plus strand): 5'-CAAAGGCTCACTACCAATCCTGGTCCTTTCTCCAATCCAGAGCACAAGCCCGGATCCCCA[A>G]ACCATCCACACCACCCATCCGAAGCTCTCCAGCGCATGCTCTGCCTACGCGTAGTGACAA-3'

ClinVar aggregate classification (germline): Likely benign (0 of 4 stars; one submission).

Conditions:
COL7A1-related disorder. Also called: COL7A1- related disorders; COL7A1-related condition.

Allele frequency attached by ClinVar (database versions not stated): ExAC 0.00014; gnomAD 0.00047; TOPMed 0.00053; 1000 Genomes Project 0.00060; ESP Exome Variant Server 0.00062; 1000 Genomes Project 30x 0.00078.
gnomAD v4.1: 136 of 1,613,484 alleles (0.0084%); highest among the groups gnomAD compares: African/African-American, 0.16%; no homozygotes.

Submission:

PreventionGenetics, part of Exact Sciences
Classification: Likely benign for COL7A1-related condition. Last evaluated: 2019-05-23. Review status: no assertion criteria provided. Collection method: clinical testing. Allele origin: germline.
Comment: This variant is classified as likely benign based on ACMG/AMP sequence variant interpretation guidelines (Richards et al. 2015 PMID: 25741868, with internal and published modifications).